The following is an entry in ClinVar:

NC_000002.11:g.(?_63605501)_(63605664_?)del

Gene: WDPCP (WD repeat containing planar cell polarity effector; minus strand). Cytogenetic location: 2p15.
Variant type: Deletion.
Identifiers: ClinVar variation 2426236 (VCV002426236.4).

ClinVar aggregate classification (germline): Pathogenic (1 of 4 stars; one submission).

Conditions:
Bardet-Biedl syndrome (BBS). Identifiers: Orphanet 110, MedGen C0752166, MONDO:0015229.

Submission:

Labcorp Genetics (formerly Invitae), Labcorp
Classification: Pathogenic for Bardet-Biedl syndrome. Last evaluated: 2023-11-03. Review status: criteria provided, single submitter. Criteria: Invitae Variant Classification Sherloc (09022015). Collection method: clinical testing. Allele origin: germline.
Comment: This variant is a gross deletion of the genomic region encompassing exon(s) 12 of the WDPCP gene. This deletion is out-of-frame, and is expected to create a premature termination codon and result in an absent or disrupted protein product. Loss-of-function variants in WDPCP are known to be pathogenic (PMID: 20671153, 25427950, 27158779). This variant has not been reported in the literature in individuals affected with WDPCP-related conditions. For these reasons, this variant has been classified as Pathogenic.

Literature cited by the submitters: PubMed 20671153; PubMed 25427950; PubMed 27158779.